The following is an entry in ClinVar:

ClinVar aggregate classification (germline): Uncertain significance. Review status: criteria provided, single submitter (1 of 4 stars). 2 submissions from 2 submitters: Uncertain significance (1). 1 of the submissions does not count toward it. Last evaluated 2024-03-19.

Conditions:
Cerebrofacial arteriovenous metameric syndrome. Identifiers: Orphanet 141189, MedGen C3839265, MONDO:0015405.

Allele frequency attached by ClinVar (database versions not stated): gnomAD 0.00001; gnomAD exomes 0.00001; TOPMed 0.00002; ExAC 0.00007; 1000 Genomes Project 30x 0.00016; 1000 Genomes Project 0.00020.
gnomAD v4.1: 12 of 1,607,884 alleles (0.00075%); highest among the groups gnomAD compares: East Asian, 0.022%; no homozygotes.

Submissions (2):

Ambry Genetics
Classification: Uncertain significance. Last evaluated: 2024-03-19. Review status: criteria provided, single submitter. Criteria: Ambry Variant Classification Scheme 2023. Collection method: clinical testing. Allele origin: germline.

KK Women’s and Children’s Hospital
Classification: Uncertain significance for Cerebrofacial arteriovenous metameric syndrome. Last evaluated: 2023-04-04. Review status: no assertion criteria provided. Collection method: research. Allele origin: maternal. Affected: yes. Observed: 1 heterozygote. Not counted in ClinVar's aggregate classification.

NM_004297.4(GNA14):c.817G>C (p.Asp273His)

Gene: GNA14 (G protein subunit alpha 14; minus strand). Cytogenetic location: 9q21.2.
Variant type: single nucleotide variant.
Coding change: c.817G>C on transcript NM_004297.4 (MANE Select); coding-DNA position 817, G replaced by C.
Protein change: p.Asp273His; replaces aspartic acid 273 with histidine.
Molecular consequence: missense variant.
Genome position (GRCh38, 1-based): chr9:77,425,622, C>G on the plus strand (G>C on the coding strand, the complement: GNA14 is on the minus strand). VCF-style: chr9-77425622-C-G. GRCh37 (hg19) VCF-style: chr9-80040538-C-G.
Other names: c.817G>C (NM_004297.3); short protein forms D273H.
Identifiers: ClinVar variation 2446463 (VCV002446463.3), dbSNP rs200526690, ClinGen allele CA5094193.
Genomic context (GRCh38, chr9:77,425,622, plus strand): 5'-CTGTGTATTCTGGGAAATAGCTAATTAGATGAGAGTACATGATTTTCTCTTCCAAAAGAT[C>G]CTTCTTGTTCAAGAATAAAATCACAGACGAATTCAGAAACCAGGGGTAGGTGATGATGGT-3'
Protein context (NP_004288.1, residues 263-283): SSVILFLNKK[Asp273His]LLEEKIMYSH